The following is an entry in ClinVar:

ClinVar aggregate classification (germline): Benign/Likely benign. Review status: criteria provided, multiple submitters, no conflicts (2 of 4 stars). 3 submissions from 3 submitters: Benign (1); Likely benign (2). Last evaluated 2025-04-30.

Conditions:
Hereditary cancer-predisposing syndrome. Also called: Tumor predisposition; Hereditary neoplastic syndrome; Hereditary Cancer Syndrome; Neoplastic Syndromes, Hereditary. Identifiers: Orphanet 140162, MedGen C0027672, MeSH D009386, MONDO:0015356.
Papillary renal cell carcinoma type 1 (RCCP1). Also called: Renal adenocarcinoma; Renal cell carcinoma 1; Renal cell carcinoma, somatic; RENAL CELL CARCINOMA, PAPILLARY, 1, SOMATIC. Identifiers: Orphanet 47044, MedGen C1336839, OMIM 605074, HP:0011797.
Renal cell carcinoma. Identifiers: Orphanet 217071, MedGen C0007134, MeSH D002292, MONDO:0005086, HP:0005584.

Submissions (3):

Labcorp Genetics (formerly Invitae), Labcorp
Classification: Likely benign for Renal cell carcinoma. Last evaluated: 2025-04-30. Review status: criteria provided, single submitter. Criteria: Invitae Variant Classification Sherloc (09022015). Collection method: clinical testing. Allele origin: germline.

Myriad Genetics, Inc.
Classification: Benign for Papillary renal cell carcinoma type 1. Last evaluated: 2024-11-12. Review status: criteria provided, single submitter. Criteria: Myriad Autosomal Dominant, Autosomal Recessive and X-Linked Classification Criteria (2023). Collection method: clinical testing. Allele origin: unknown.
Comment: This variant is considered benign. This variant is a silent/synonymous amino acid change and it is not expected to impact splicing.

Ambry Genetics
Classification: Likely benign for Hereditary cancer-predisposing syndrome. Last evaluated: 2021-06-26. Review status: criteria provided, single submitter. Criteria: Ambry Variant Classification Scheme 2023. Collection method: clinical testing. Allele origin: germline.

NM_000245.4(MET):c.2595T>C (p.Ile865=)

Gene: MET (MET proto-oncogene, receptor tyrosine kinase; plus strand). Cytogenetic location: 7q31.2.
Variant type: single nucleotide variant.
Coding change: c.2595T>C on transcript NM_000245.4 (MANE Select); coding-DNA position 2595, T replaced by C.
Protein change: p.Ile865=; no amino-acid change (isoleucine 865 retained).
Molecular consequence: synonymous variant.
Genome position (GRCh38, 1-based): chr7:116,769,656, T>C. VCF-style: chr7-116769656-T-C. GRCh37 (hg19) VCF-style: chr7-116409710-T-C.
Other names: c.2649T>C, p.Ile883= (NM_001127500.3); c.2595T>C, p.Ile865= (NM_001324401.3); c.1305T>C, p.Ile435= (NM_001324402.2).
Identifiers: ClinVar variation 1096424 (VCV001096424.12), dbSNP rs2116982595, ClinGen allele CA457441705.
Genomic context (GRCh38, chr7:116,769,656, plus strand): 5'-TGCAGAACTGTGAAGTGTTAACAACCTTTTTTTTTTTTTTTCCTTTCAGGGAAATGATAT[T>C]GACCCTGAAGCAGTTAAAGGTGAAGTGTTAAAAGTTGGAAATAAGAGCTGTGAGAATATA-3'
Protein context (NP_000236.2, residues 855-875): ENVLEIKGND[Ile865=]DPEAVKGEVL